The following is an entry in ClinVar:

NM_003235.5(TG):c.2623C>T (p.Gln875Ter)

Gene: TG (thyroglobulin; plus strand). Cytogenetic location: 8q24.22.
Variant type: single nucleotide variant.
Coding change: c.2623C>T on transcript NM_003235.5 (MANE Select); coding-DNA position 2623, C replaced by T.
Protein change: p.Gln875Ter; replaces glutamine 875 with a stop codon.
Molecular consequence: nonsense.
Genome position (GRCh38, 1-based): chr8:132,888,430, C>T. VCF-style: chr8-132888430-C-T. GRCh37 (hg19) VCF-style: chr8-133900675-C-T.
Other names: short protein forms Q875*.
Identifiers: ClinVar variation 2828155 (VCV002828155.3), dbSNP rs2489856065, ClinGen allele CA372236961.

ClinVar aggregate classification (germline): Pathogenic (1 of 4 stars; one submission).

Submission:

Labcorp Genetics (formerly Invitae), Labcorp
Classification: Pathogenic. Last evaluated: 2023-01-13. Review status: criteria provided, single submitter. Criteria: Invitae Variant Classification Sherloc (09022015). Collection method: clinical testing. Allele origin: germline.
Comment: For these reasons, this variant has been classified as Pathogenic. This variant has not been reported in the literature in individuals affected with TG-related conditions. This variant is not present in population databases (gnomAD no frequency). This sequence change creates a premature translational stop signal (p.Gln875*) in the TG gene. It is expected to result in an absent or disrupted protein product. Loss-of-function variants in TG are known to be pathogenic (PMID: 19837936, 23164529).

Literature cited by the submitters: PubMed 19837936; PubMed 23164529.